The following is an entry in ClinVar:

NM_000038.6(APC):c.2544del (p.Asp849fs)

Gene: APC (APC regulator of Wnt signaling pathway; plus strand). Cytogenetic location: 5q22.2.
Variant type: Deletion.
Coding change: c.2544del on transcript NM_000038.6 (MANE Select); coding-DNA position 2544, one base deleted (A; older notation c.2544delA).
Protein change: p.Asp849fs; shifts the reading frame from aspartic acid 849.
Molecular consequence: frameshift variant. On other transcripts: non-coding transcript variant (2).
Genome position (GRCh38, 1-based): chr5:112,838,138, A deleted; the last of 5 consecutive A bases (chr5:112,838,134-112,838,138); deleting any one gives the same sequence. VCF-style (leftmost placement, unchanged base first): chr5-112838133-GA-G. GRCh37 (hg19) VCF-style: chr5-112173830-GA-G.
Other names: c.2544del, p.Asp849fs (NM_001127510.3, NM_001354895.2, NM_001407450.1); c.2490del, p.Asp831fs (NM_001127511.3); c.2598del, p.Asp867fs (NM_001354896.2, NM_001407447.1, NM_001407448.1 and 1 more transcripts); c.2574del, p.Asp859fs (NM_001354897.2); c.2469del, p.Asp824fs (NM_001354898.2); c.2460del, p.Asp821fs (NM_001354899.2); c.2421del, p.Asp808fs (NM_001354900.2); c.2367del, p.Asp790fs (NM_001354901.2, NM_001407453.1); and 11 more; short protein forms D465fs, D566fs, D689fs, D720fs, D723fs, D748fs, D758fs, D766fs.
Identifiers: ClinVar variation 2583475 (VCV002583475.2), dbSNP rs2149871984, ClinGen allele CA445962841.

ClinVar aggregate classification (germline): Pathogenic (1 of 4 stars; one submission).

Conditions:
Familial adenomatous polyposis 1 (FAP1). Also called: POLYPOSIS, ADENOMATOUS INTESTINAL; FAMILIAL ADENOMATOUS POLYPOSIS 1, ATTENUATED. Identifiers: MedGen C2713442, MONDO:0021056, OMIM 175100. Disease mechanism: loss of function.

Submission:

Myriad Genetics, Inc.
Classification: Pathogenic for Familial adenomatous polyposis 1. Last evaluated: 2023-05-04. Review status: criteria provided, single submitter. Criteria: Myriad Autosomal Dominant, Autosomal Recessive and X-Linked Classification Criteria (2023). Collection method: clinical testing. Allele origin: unknown.
Comment: This variant is considered pathogenic. This variant creates a frameshift predicted to result in premature protein truncation.